The following is an entry in ClinVar:

ClinVar aggregate classification (germline): Uncertain significance (1 of 4 stars; one submission).

gnomAD v4.1: 13 of 1,604,266 alleles (0.00081%); highest among the groups gnomAD compares: East Asian, 0.0045%; no homozygotes.

Submission:

Ambry Genetics
Classification: Uncertain significance. Last evaluated: 2025-01-03. Review status: criteria provided, single submitter. Criteria: Ambry Variant Classification Scheme 2023. Collection method: clinical testing. Allele origin: germline.
Comment: The p.P757R variant (also known as c.2270C>G), located in coding exon 10 of the WNK2 gene, results from a C to G substitution at nucleotide position 2270. The proline at codon 757 is replaced by arginine, an amino acid with dissimilar properties. This amino acid position is conserved. In addition, this alteration is predicted to be tolerated by in silico analysis. Based on the available evidence, the clinical significance of this variant remains unclear.

NM_006648.4(WNK2):c.2270C>G (p.Pro757Arg)

Gene: WNK2 (WNK lysine deficient protein kinase 2; plus strand). Cytogenetic location: 9q22.31.
Variant type: single nucleotide variant.
Coding change: c.2270C>G on transcript NM_006648.4 (MANE Select); coding-DNA position 2270, C replaced by G.
Protein change: p.Pro757Arg; replaces proline 757 with arginine.
Molecular consequence: missense variant.
Genome position (GRCh38, 1-based): chr9:93,257,027, C>G. VCF-style: chr9-93257027-C-G. GRCh37 (hg19) VCF-style: chr9-96019309-C-G.
Other names: c.2270C>G, p.Pro757Arg (NM_001282394.3); short protein forms P757R.
Identifiers: ClinVar variation 3816699 (VCV003816699.1).
Genomic context (GRCh38, chr9:93,257,027, plus strand): 5'-CGACACCCCTGCCGCAGGTCCTGGCCCCACAGCCCGTGGTCCCCCTCCAGCCGGTTCCCC[C>G]CCACCTGCCACCGTACCTGGCTCCAGCCTCCCAGGTGGGGGCCCCCGCTCAGCTGAAGCC-3'
Protein context (NP_006639.3, residues 747-767): QPVVPLQPVP[Pro757Arg]HLPPYLAPAS